The following is an entry in ClinVar:

NM_014714.4(IFT140):c.3601C>T (p.Arg1201Cys)

Gene: IFT140 (intraflagellar transport 140; minus strand). Cytogenetic location: 16p13.3.
Variant type: single nucleotide variant.
Coding change: c.3601C>T on transcript NM_014714.4 (MANE Select); coding-DNA position 3601, C replaced by T.
Protein change: p.Arg1201Cys; replaces arginine 1201 with cysteine.
Molecular consequence: missense variant.
Genome position (GRCh38, 1-based): chr16:1,520,661, G>A on the plus strand (C>T on the coding strand, the complement: IFT140 is on the minus strand). VCF-style: chr16-1520661-G-A. GRCh37 (hg19) VCF-style: chr16-1570662-G-A.
Other names: short protein forms R1201C.
Identifiers: ClinVar variation 935925 (VCV000935925.9), dbSNP rs368685855, ClinGen allele CA7813099.
Genomic context (GRCh38, chr16:1,520,661, plus strand): 5'-CCTTCAGCTTGTTGCCGGCCTGCGTGTACTTCTTGGTGGCCAGGTGGTAGCTGCCCTGGC[G>A]CATGCAGCAGTCTGCTATCTGCTCCAGCAGCTCCCGCCGCGACTCCTCAGGCAGGTCCGA-3'
Protein context (NP_055529.2, residues 1191-1211): LLEQIADCCM[Arg1201Cys]QGSYHLATKK

ClinVar aggregate classification (germline): Uncertain significance. Review status: criteria provided, multiple submitters, no conflicts (2 of 4 stars). 5 submissions from 5 submitters: Uncertain significance (5). Last evaluated 2025-10-29.

Conditions:
Saldino-Mainzer syndrome (SRTD9). Also called: SHORT-RIB THORACIC DYSPLASIA 9 WITHOUT POLYDACTYLY; CONORENAL SYNDROME; Renal dysplasia, retinal pigmentary dystrophy, cerebellar ataxia and skeletal dysplasia; short-rib thoracic dysplasia 9 with or without polydactyly. Identifiers: Orphanet 140969, MedGen C1849437, MONDO:0009964, OMIM 266920.
IFT140-related disorder. Also called: IFT140-related condition.
Retinitis pigmentosa 80 (RP80). Identifiers: MedGen C4540439, MONDO:0054708, OMIM 617781.

Allele frequency attached by ClinVar (database versions not stated): gnomAD 0.00001 and 0.00003; ExAC 0.00002; TOPMed 0.00003.
gnomAD v4.1: 111 of 1,604,784 alleles (0.0069%); highest among the groups gnomAD compares: Non-Finnish European, 0.0089%; no homozygotes.

Submissions (5):

PreventionGenetics, part of Exact Sciences
Classification: Uncertain significance for IFT140-related condition. Last evaluated: 2025-10-29. Review status: criteria provided, single submitter. Criteria: ACMG Guidelines, 2015. Collection method: clinical testing. Allele origin: germline.
Comment: The IFT140 c.3601C>T variant is predicted to result in the amino acid substitution p.Arg1201Cys. To our knowledge, this variant has not been reported in association with established IFT140-related disease. However, this variant was reported in an individual with developmental disorder (supplementary data, Kaplanis et al. 2020. PubMed ID: 33057194; supplementary data, Zhou et al. 2022. PubMed ID: 35982159). This variant is reported in 0.0060% of alleles in individuals of Latino descent in gnomAD. At this time, the clinical significance of this variant is uncertain due to the absence of conclusive functional and genetic evidence.

Fulgent Genetics
Classification: Uncertain significance for Saldino-Mainzer syndrome; Retinitis pigmentosa 80. Last evaluated: 2024-05-20. Review status: criteria provided, single submitter. Criteria: ACMG Guidelines, 2015. Collection method: clinical testing. Allele origin: germline.

Labcorp Genetics (formerly Invitae), Labcorp
Classification: Uncertain significance for Saldino-Mainzer syndrome. Last evaluated: 2023-11-27. Review status: criteria provided, single submitter. Criteria: Invitae Variant Classification Sherloc (09022015). Collection method: clinical testing. Allele origin: germline.
Comment: This sequence change replaces arginine, which is basic and polar, with cysteine, which is neutral and slightly polar, at codon 1201 of the IFT140 protein (p.Arg1201Cys). The frequency data for this variant in the population databases is considered unreliable, as metrics indicate poor data quality at this position in the gnomAD database. This variant has not been reported in the literature in individuals affected with IFT140-related conditions. ClinVar contains an entry for this variant (Variation ID: 935925). Advanced modeling of protein sequence and biophysical properties (such as structural, functional, and spatial information, amino acid conservation, physicochemical variation, residue mobility, and thermodynamic stability) has been performed at Invitae for this missense variant, however the output from this modeling did not meet the statistical confidence thresholds required to predict the impact of this variant on IFT140 protein function. In summary, the available evidence is currently insufficient to determine the role of this variant in disease. Therefore, it has been classified as a Variant of Uncertain Significance.

Blueprint Genetics
Classification: Uncertain significance. Last evaluated: 2023-11-24. Review status: criteria provided, single submitter. Criteria: ACMG Guidelines, 2015. Collection method: clinical testing. Allele origin: germline.

Breakthrough Genomics
Classification: Uncertain significance. Review status: criteria provided, single submitter. Criteria: ACMG Guidelines, 2015. Collection method: not provided. Allele origin: germline. Inheritance: Autosomal recessive inheritance. Affected: yes.